The following is an entry in ClinVar:

NM_006389.5(HYOU1):c.280A>C (p.Lys94Gln)

Gene: HYOU1 (hypoxia up-regulated 1; minus strand). Cytogenetic location: 11q23.3.
Variant type: single nucleotide variant.
Coding change: c.280A>C on transcript NM_006389.5 (MANE Select); coding-DNA position 280, A replaced by C.
Protein change: p.Lys94Gln; replaces lysine 94 with glutamine.
Molecular consequence: missense variant.
Genome position (GRCh38, 1-based): chr11:119,055,324, T>G on the plus strand (A>C on the coding strand, the complement: HYOU1 is on the minus strand). VCF-style: chr11-119055324-T-G. GRCh37 (hg19) VCF-style: chr11-118926036-T-G.
Other names: c.280A>C, p.Lys94Gln (NM_001130991.3); c.280A>C (NM_006389.3); short protein forms K94Q.
Identifiers: ClinVar variation 1025537 (VCV001025537.10), dbSNP rs147753177, ClinGen allele CA229649026.

ClinVar aggregate classification (germline): Uncertain significance. Review status: criteria provided, multiple submitters, no conflicts (2 of 4 stars). 3 submissions from 3 submitters: Uncertain significance (3). Last evaluated 2025-06-29.

Allele frequency attached by ClinVar (database versions not stated): gnomAD exomes 0.00006; ExAC 0.00007; TOPMed 0.00012; ESP Exome Variant Server 0.00038.
gnomAD v4.1: 208 of 1,613,436 alleles (0.013%); highest among the groups gnomAD compares: Non-Finnish European, 0.017%; no homozygotes.

Submissions (3):

Labcorp Genetics (formerly Invitae), Labcorp
Classification: Uncertain significance. Last evaluated: 2025-06-29. Review status: criteria provided, single submitter. Criteria: Invitae Variant Classification Sherloc (09022015). Collection method: clinical testing. Allele origin: germline.
Comment: This sequence change replaces lysine, which is basic and polar, with glutamine, which is neutral and polar, at codon 94 of the HYOU1 protein (p.Lys94Gln). This variant is present in population databases (rs147753177, gnomAD 0.01%). This variant has not been reported in the literature in individuals affected with HYOU1-related conditions. ClinVar contains an entry for this variant (Variation ID: 1025537). An algorithm developed to predict the effect of missense changes on protein structure and function (PolyPhen-2) suggests that this variant is likely to be tolerated. In summary, the available evidence is currently insufficient to determine the role of this variant in disease. Therefore, it has been classified as a Variant of Uncertain Significance.

Ambry Genetics
Classification: Uncertain significance. Last evaluated: 2024-10-20. Review status: criteria provided, single submitter. Criteria: Ambry Variant Classification Scheme 2023. Collection method: clinical testing. Allele origin: germline.

Blueprint Genetics
Classification: Uncertain significance. Last evaluated: 2024-09-12. Review status: criteria provided, single submitter. Criteria: ACMG Guidelines, 2015. Collection method: clinical testing. Allele origin: germline.